The following is an entry in ClinVar:

NM_001130438.3(SPTAN1):c.3520-14C>G

Gene: SPTAN1 (spectrin alpha, non-erythrocytic 1; plus strand). Cytogenetic location: 9q34.11.
Variant type: single nucleotide variant.
Coding change: c.3520-14C>G on transcript NM_001130438.3 (MANE Select); 14 bases into the intron before coding-DNA position 3520, C replaced by G.
Molecular consequence: intron variant.
Genome position (GRCh38, 1-based): chr9:128,598,949, C>G. VCF-style: chr9-128598949-C-G. GRCh37 (hg19) VCF-style: chr9-131361228-C-G.
Other names: c.3520-14C>G (NM_001363759.2, NM_003127.4); c.3460-14C>G (NM_001363765.2, NM_001195532.2).
Identifiers: ClinVar variation 139285 (VCV000139285.20), dbSNP rs142682344, ClinGen allele CA295183.

ClinVar aggregate classification (germline): Benign/Likely benign. Review status: criteria provided, multiple submitters, no conflicts (2 of 4 stars). 9 submissions from 9 submitters: Benign (6); Likely benign (3). Last evaluated 2026-02-03.

Conditions:
Early-infantile DEE. Also called: Ohtahara syndrome; Early infantile epileptic encephalopathy; Early infantile epileptic encephalopathy with suppression bursts. Identifiers: Orphanet 1934, MedGen C0393706, MONDO:0800491.
Developmental and epileptic encephalopathy, 5 (DEE5). Identifiers: Orphanet 3451, MedGen C3150731, MONDO:0013277, OMIM 613477.

Allele frequency attached by ClinVar (database versions not stated): gnomAD exomes 0.00057 and 0.00151; ExAC 0.00196; gnomAD 0.00541 and 0.00575; TOPMed 0.00622; ESP Exome Variant Server 0.00700; 1000 Genomes Project 0.00819; 1000 Genomes Project 30x 0.00828.
gnomAD v4.1: 1,703 of 1,613,294 alleles (0.11%); highest among the groups gnomAD compares: African/African-American, 1.9%; 13 homozygotes.

Submissions (11):

Labcorp Genetics (formerly Invitae), Labcorp
Classification: Benign for Early-infantile DEE. Last evaluated: 2026-02-03. Review status: criteria provided, single submitter. Criteria: Invitae Variant Classification Sherloc (09022015). Collection method: clinical testing. Allele origin: germline.

ARUP Laboratories, Molecular Genetics and Genomics, ARUP Laboratories
Classification: Benign. Last evaluated: 2024-10-11. Review status: criteria provided, single submitter. Criteria: ARUP Molecular Germline Variant Investigation Process 2024. Collection method: clinical testing. Allele origin: germline.

Fulgent Genetics
Classification: Likely benign for Developmental and epileptic encephalopathy, 5. Last evaluated: 2021-08-26. Review status: criteria provided, single submitter. Criteria: ACMG Guidelines, 2015. Collection method: clinical testing. Allele origin: unknown.

Genome-Nilou Lab
Classification: Benign for Developmental and epileptic encephalopathy, 5. Last evaluated: 2021-07-15. Review status: criteria provided, single submitter. Criteria: ACMG Guidelines, 2015. Collection method: clinical testing. Allele origin: germline. Affected: no.

Center for Pediatric Genomic Medicine, Children's Mercy Hospital and Clinics
Classification: Likely benign. Last evaluated: 2017-02-22. Review status: criteria provided, single submitter. Criteria: ACMG Guidelines, 2015. Collection method: clinical testing. Allele origin: germline.

Genetic Services Laboratory, University of Chicago
Classification: Benign. Last evaluated: 2013-05-16. Review status: criteria provided, single submitter. Criteria: ACMG Guidelines, 2007. Collection method: clinical testing. Allele origin: germline. Inheritance: Autosomal dominant inheritance.

GeneDx
Classification: Benign. Last evaluated: 2013-01-31. Review status: criteria provided, single submitter. Criteria: GeneDx Variant Classification (06012015). Collection method: clinical testing. Allele origin: germline. Affected: yes.
Comment: This variant is considered likely benign or benign based on one or more of the following criteria: it is a conservative change, it occurs at a poorly conserved position in the protein, it is predicted to be benign by multiple in silico algorithms, and/or has population frequency not consistent with disease.

Breakthrough Genomics
Classification: Likely benign. Review status: criteria provided, single submitter. Criteria: ACMG Guidelines, 2015. Collection method: not provided. Allele origin: germline. Inheritance: Autosomal dominant inheritance. Affected: yes.

PreventionGenetics, part of Exact Sciences
Classification: Benign. Review status: criteria provided, single submitter. Criteria: ACMG Guidelines, 2015. Collection method: clinical testing. Allele origin: germline.

Dr. Peter K. Rogan Lab, Western University
No classification provided (evidence only). Condition: Acute myeloid leukemia. Review status: no classification provided. Collection method: in vitro. Allele origin: not applicable. Functional consequence: retained intron. Not counted in ClinVar's aggregate classification.

Dr. Peter K. Rogan Lab, Western University
No classification provided (evidence only). Condition: Acute myeloid leukemia. Review status: no classification provided. Collection method: in vitro. Allele origin: not applicable. Functional consequence: retained intron. Not counted in ClinVar's aggregate classification.